The following is an entry in ClinVar:

NM_014363.6(SACS):c.10097A>G (p.His3366Arg)

Gene: SACS (sacsin molecular chaperone; minus strand). Cytogenetic location: 13q12.12.
Variant type: single nucleotide variant.
Coding change: c.10097A>G on transcript NM_014363.6 (MANE Select); coding-DNA position 10097, A replaced by G.
Protein change: p.His3366Arg; replaces histidine 3366 with arginine.
Molecular consequence: missense variant.
Genome position (GRCh38, 1-based): chr13:23,333,779, T>C on the plus strand (A>G on the coding strand, the complement: SACS is on the minus strand). VCF-style: chr13-23333779-T-C. GRCh37 (hg19) VCF-style: chr13-23907918-T-C.
Other names: c.9656A>G, p.His3219Arg (NM_001278055.2); short protein forms H3219R, H3366R.
Identifiers: ClinVar variation 3896976 (VCV003896976.1).

ClinVar aggregate classification (germline): Uncertain significance (1 of 4 stars; one submission).

Submission:

Kariminejad - Najmabadi Pathology & Genetics Center
Classification: Uncertain significance. Last evaluated: 2019-09-17. Review status: criteria provided, single submitter. Criteria: ACMG Guidelines, 2015. Collection method: clinical testing. Allele origin: germline. Inheritance: Autosomal recessive inheritance. Affected: yes.
Comment: PM2